The following is an entry in ClinVar:

ClinVar aggregate classification (germline): Uncertain significance. Review status: criteria provided, multiple submitters, no conflicts (2 of 4 stars). 2 submissions from 2 submitters: Uncertain significance (2). Last evaluated 2025-02-22.

Conditions:
Inborn genetic diseases. Identifiers: MedGen C0950123, MeSH D030342.

Allele frequency attached by ClinVar (database versions not stated): TOPMed below 0.00001; ExAC 0.00001; gnomAD 0.00001.
gnomAD v4.1: 1 of 1,610,844 alleles (0.000062%); highest among the groups gnomAD compares: African/African-American, 0.0013%; no homozygotes.

Submissions (2):

Ambry Genetics
Classification: Uncertain significance for Inborn genetic diseases. Last evaluated: 2025-02-22. Review status: criteria provided, single submitter. Criteria: Ambry Variant Classification Scheme 2023. Collection method: clinical testing. Allele origin: germline.

Labcorp Genetics (formerly Invitae), Labcorp
Classification: Uncertain significance. Last evaluated: 2022-08-09. Review status: criteria provided, single submitter. Criteria: Invitae Variant Classification Sherloc (09022015). Collection method: clinical testing. Allele origin: germline.
Comment: In summary, the available evidence is currently insufficient to determine the role of this variant in disease. Therefore, it has been classified as a Variant of Uncertain Significance. Algorithms developed to predict the effect of missense changes on protein structure and function are either unavailable or do not agree on the potential impact of this missense change (SIFT: "Tolerated"; PolyPhen-2: "Probably Damaging"; Align-GVGD: "Class C0"). This variant has not been reported in the literature in individuals affected with TUBGCP6-related conditions. This variant is not present in population databases (gnomAD no frequency). This sequence change replaces histidine, which is basic and polar, with tyrosine, which is neutral and polar, at codon 1215 of the TUBGCP6 protein (p.His1215Tyr).

NM_020461.4(TUBGCP6):c.3643C>T (p.His1215Tyr)

Gene: TUBGCP6 (tubulin gamma complex component 6; minus strand). Cytogenetic location: 22q13.33.
Variant type: single nucleotide variant.
Coding change: c.3643C>T on transcript NM_020461.4 (MANE Select); coding-DNA position 3643, C replaced by T.
Protein change: p.His1215Tyr; replaces histidine 1215 with tyrosine.
Molecular consequence: missense variant.
Genome position (GRCh38, 1-based): chr22:50,220,716, G>A on the plus strand (C>T on the coding strand, the complement: TUBGCP6 is on the minus strand). VCF-style: chr22-50220716-G-A. GRCh37 (hg19) VCF-style: chr22-50659145-G-A.
Other names: c.3643C>T (NM_020461.3); short protein forms H1215Y.
Identifiers: ClinVar variation 2053102 (VCV002053102.5), dbSNP rs764928788, ClinGen allele CA10307875.